The following is an entry in ClinVar:

NM_002458.3(MUC5B):c.16053C>T (p.Thr5351=)

Gene: MUC5B (mucin 5B, oligomeric mucus/gel-forming; plus strand). Cytogenetic location: 11p15.5.
Variant type: single nucleotide variant.
Coding change: c.16053C>T on transcript NM_002458.3 (MANE Select); coding-DNA position 16053, C replaced by T.
Protein change: p.Thr5351=; no amino-acid change (threonine 5351 retained).
Molecular consequence: synonymous variant.
Genome position (GRCh38, 1-based): chr11:1,255,545, C>T. VCF-style: chr11-1255545-C-T. GRCh37 (hg19) VCF-style: chr11-1276775-C-T.
Identifiers: ClinVar variation 164006 (VCV000164006.18), dbSNP rs117452757, ClinGen allele CA176773.

ClinVar aggregate classification (germline): Benign. Review status: criteria provided, multiple submitters, no conflicts (2 of 4 stars). 3 submissions from 3 submitters: Benign (3). Last evaluated 2026-05-01.

Allele frequency attached by ClinVar (database versions not stated): gnomAD exomes 0.01262; 1000 Genomes Project 30x 0.01437; 1000 Genomes Project 0.01478; TOPMed 0.01988; ESP Exome Variant Server 0.02216; ExAC 0.02771; gnomAD 0.03099.
gnomAD v4.1: 17,444 of 1,479,462 alleles (1.2%); highest among the groups gnomAD compares: Non-Finnish European, 1%; 411 homozygotes.

Submissions (3):

CeGaT Center for Human Genetics Tuebingen
Classification: Benign. Last evaluated: 2026-05-01. Review status: criteria provided, single submitter. Criteria: CeGaT Center For Human Genetics Tuebingen Variant Classification Criteria Version 2. Collection method: clinical testing. Allele origin: germline. Affected: yes. Observed: 3 variant alleles.
Comment: MUC5B: BP4, BP7, BS1, BS2

Laboratory for Molecular Medicine, Mass General Brigham Personalized Medicine
Classification: Benign. Last evaluated: 2013-02-21. Review status: criteria provided, single submitter. Criteria: LMM Criteria. Collection method: clinical testing. Allele origin: germline. Observed: 6 variant alleles.
Comment: Thr5351Thr in exon 37 of MUC5B: This variant is not expected to have clinical si gnificance because it does not alter an amino acid residue and is not located wi thin the splice consensus sequence. It has been identified in 2.6% (203/7862) of European American chromosomes from a broad population by the NHLBI Exome Sequen cing Project (dbSNP rs117452757).

Breakthrough Genomics
Classification: Benign. Review status: criteria provided, single submitter. Criteria: ACMG Guidelines, 2015. Collection method: not provided. Allele origin: germline. Inheritance: Autosomal dominant inheritance. Affected: yes.